The following is an entry in ClinVar:

ClinVar aggregate classification (germline): Uncertain significance (1 of 4 stars; one submission).

Conditions:
Neurofibromatosis, type 1 (NF1). Also called: VON RECKLINGHAUSEN DISEASE; NEUROFIBROMATOSIS, TYPE I, SOMATIC; Peripheral type neurofibromatosis; Neurofibromatosis, type I. Identifiers: Orphanet 636, MedGen C0027831, MONDO:0018975, OMIM 162200. Disease mechanism: loss of function.

Submission:

Labcorp Genetics (formerly Invitae), Labcorp
Classification: Uncertain significance for Neurofibromatosis, type 1. Last evaluated: 2015-11-06. Review status: criteria provided, single submitter. Criteria: Invitae Variant Classification Sherloc (09022015). Collection method: clinical testing. Allele origin: germline.
Comment: This sequence change replaces proline with histidine at codon 2742 of the NF1 protein (p.Pro2742His). The proline residue is moderately conserved and there is a moderate physicochemical difference between proline and histidine. This variant is not present in population databases (ExAC no frequency) and has not been reported in the literature. Algorithms developed to predict the effect of missense changes on protein structure and function do not agree on the potential impact of this missense change (SIFT: "Deleterious"; PolyPhen-2: "Probably Damaging"; Align-GVGD: "Class C0"). In summary, this is a novel missense change with uncertain impact on protein function. There is no indication that this variant causes disease, but the evidence is insufficient at this time to prove that conclusively. Therefore, it has been classified as a Variant of Uncertain Significance.

NM_001042492.3(NF1):c.8288C>A (p.Pro2763His)

Gene: NF1 (neurofibromin 1; plus strand). Cytogenetic location: 17q11.2.
Variant type: single nucleotide variant.
Coding change: c.8288C>A on transcript NM_001042492.3 (MANE Select); coding-DNA position 8288, C replaced by A.
Protein change: p.Pro2763His; replaces proline 2763 with histidine.
Molecular consequence: missense variant.
Genome position (GRCh38, 1-based): chr17:31,360,614, C>A. VCF-style: chr17-31360614-C-A. GRCh37 (hg19) VCF-style: chr17-29687632-C-A.
Other names: c.8225C>A, p.Pro2742His (NM_000267.4); short protein forms P2742H, P2763H.
Identifiers: ClinVar variation 237605 (VCV000237605.5), dbSNP rs878853920, ClinGen allele CA10583531.
Genomic context (GRCh38, chr17:31,360,614, plus strand): 5'-TGCCTGGAATTGATGAAGAAACCAGTGAAGAATCCCTCCTGACTCCCACATCTCCTTACC[C>A]TCCTGCACTGCAGAGCCAGCTTAGTATCACTGCCAACCTTAACCTTTCTAATTCCATGAC-3'
Protein context (NP_001035957.1, residues 2753-2773): ESLLTPTSPY[Pro2763His]PALQSQLSIT